The following is an entry in ClinVar:

NM_001267550.2(TTN):c.7117G>T (p.Val2373Phe)

Genes: TTN (titin; minus strand), LOC126806433 (BRD4-independent group 4 enhancer GRCh37_chr2:179638309-179639508; plus strand). Cytogenetic location: 2q31.2.
Variant type: single nucleotide variant.
Coding change: c.7117G>T on transcript NM_001267550.2 (MANE Select); coding-DNA position 7117, G replaced by T.
Protein change: p.Val2373Phe; replaces valine 2373 with phenylalanine.
Molecular consequence: missense variant.
Genome position (GRCh38, 1-based): chr2:178,774,051, C>A on the plus strand (G>T on the coding strand, the complement: TTN is on the minus strand). VCF-style: chr2-178774051-C-A. GRCh37 (hg19) VCF-style: chr2-179638778-C-A.
Other names: c.7117G>T (NM_001267550.1); c.7117G>T, p.Val2373Phe (NM_001256850.1, NM_133378.4, NM_133379.5); c.6979G>T, p.Val2327Phe (NM_003319.4, NM_133432.3, NM_133437.4); short protein forms V2373F, V2327F.
Identifiers: ClinVar variation 592877 (VCV000592877.13), dbSNP rs759496021, ClinGen allele CA2004895.

ClinVar aggregate classification (germline): Uncertain significance. Review status: criteria provided, multiple submitters, no conflicts (2 of 4 stars). 5 submissions from 5 submitters: Uncertain significance (5). Last evaluated 2026-04-14.

Conditions:
TTN-related disorder. Also called: TTN-related condition; TTN-related disease; TTN-related disorders.

Allele frequency attached by ClinVar (database versions not stated): ExAC 0.00002; gnomAD exomes 0.00002; gnomAD 0.00003 and 0.00004; TOPMed 0.00009.
gnomAD v4.1: 23 of 1,613,948 alleles (0.0014%); highest among the groups gnomAD compares: Admixed American, 0.015%; no homozygotes.

Submissions (5):

PreventionGenetics, part of Exact Sciences
Classification: Uncertain significance for TTN-related condition. Last evaluated: 2026-04-14. Review status: criteria provided, single submitter. Criteria: ACMG Guidelines, 2015. Collection method: clinical testing. Allele origin: germline.
Comment: The TTN c.7117G>T variant is predicted to result in the amino acid substitution p.Val2373Phe. To our knowledge, this variant has not been reported in the literature. This variant is reported in 0.0085% of alleles in individuals of Latino descent in gnomAD. At this time, the clinical significance of this variant is uncertain due to the absence of conclusive functional and genetic evidence.

GeneDx
Classification: Uncertain significance. Last evaluated: 2023-08-08. Review status: criteria provided, single submitter. Criteria: GeneDx Variant Classification Process June 2021. Collection method: clinical testing. Allele origin: germline. Affected: yes.
Comment: Has not been previously published as pathogenic or benign to our knowledge; Not observed at significant frequency in large population cohorts (gnomAD); Missense variant in a gene in which most reported pathogenic variants are truncating/loss of function

Mayo Clinic Laboratories, Mayo Clinic
Classification: Uncertain significance. Last evaluated: 2020-07-23. Review status: criteria provided, single submitter. Criteria: ACMG Guidelines, 2015. Collection method: clinical testing. Allele origin: germline. Observed: 1 variant allele.

Eurofins Ntd Llc (ga)
Classification: Uncertain significance. Last evaluated: 2018-08-10. Review status: criteria provided, single submitter. Criteria: EGL ClinVar v180209 classification definitions. Collection method: clinical testing. Allele origin: germline. Observed: 4 variant alleles, 4 heterozygotes.

Breakthrough Genomics
Classification: Uncertain significance. Review status: criteria provided, single submitter. Criteria: ACMG Guidelines, 2015. Collection method: not provided. Allele origin: germline. Inheritance: Autosomal recessive inheritance. Affected: yes.